The following is an entry in ClinVar:

NM_006329.4(FBLN5):c.722A>G (p.Asp241Gly)

Gene: FBLN5 (fibulin 5; minus strand). Cytogenetic location: 14q32.12.
Variant type: single nucleotide variant.
Coding change: c.722A>G on transcript NM_006329.4 (MANE Select); coding-DNA position 722, A replaced by G.
Protein change: p.Asp241Gly; replaces aspartic acid 241 with glycine.
Molecular consequence: missense variant.
Genome position (GRCh38, 1-based): chr14:91,887,210, T>C on the plus strand (A>G on the coding strand, the complement: FBLN5 is on the minus strand). VCF-style: chr14-91887210-T-C. GRCh37 (hg19) VCF-style: chr14-92353554-T-C.
Other names: c.845A>G, p.Asp282Gly (NM_001384158.1); c.773A>G, p.Asp258Gly (NM_001384159.1); c.722A>G, p.Asp241Gly (NM_001384160.1); c.554A>G, p.Asp185Gly (NM_001384161.1, NM_001384162.1); short protein forms D282G, D185G, D241G, D258G.
Identifiers: ClinVar variation 1999666 (VCV001999666.4), dbSNP rs565896886, ClinGen allele CA265597310.

ClinVar aggregate classification (germline): Uncertain significance (1 of 4 stars; one submission).

Allele frequency attached by ClinVar (database versions not stated): gnomAD exomes below 0.00001; gnomAD 0.00001; 1000 Genomes Project 30x 0.00016; 1000 Genomes Project 0.00020.
gnomAD v4.1: 2 of 1,613,700 alleles (0.00012%); highest among the groups gnomAD compares: South Asian, 0.0011%; no homozygotes.

Submission:

Labcorp Genetics (formerly Invitae), Labcorp
Classification: Uncertain significance. Last evaluated: 2023-10-26. Review status: criteria provided, single submitter. Criteria: Invitae Variant Classification Sherloc (09022015). Collection method: clinical testing. Allele origin: germline.
Comment: This sequence change replaces aspartic acid, which is acidic and polar, with glycine, which is neutral and non-polar, at codon 241 of the FBLN5 protein (p.Asp241Gly). This variant is not present in population databases (gnomAD no frequency). This variant has not been reported in the literature in individuals affected with FBLN5-related conditions. ClinVar contains an entry for this variant (Variation ID: 1999666). Advanced modeling of protein sequence and biophysical properties (such as structural, functional, and spatial information, amino acid conservation, physicochemical variation, residue mobility, and thermodynamic stability) performed at Invitae indicates that this missense variant is not expected to disrupt FBLN5 protein function with a negative predictive value of 80%. In summary, the available evidence is currently insufficient to determine the role of this variant in disease. Therefore, it has been classified as a Variant of Uncertain Significance.